The following is an entry in ClinVar:

ClinVar aggregate classification (germline): Pathogenic (1 of 4 stars; one submission).

Conditions:
Maple syrup urine disease (MSUD). Identifiers: Orphanet 511, MedGen C0024776, MeSH D008375, MONDO:0009563. Disease mechanism: loss of function.

Submission:

Labcorp Genetics (formerly Invitae), Labcorp
Classification: Pathogenic for Maple syrup urine disease. Last evaluated: 2022-06-17. Review status: criteria provided, single submitter. Criteria: Invitae Variant Classification Sherloc (09022015). Collection method: clinical testing. Allele origin: germline.
Comment: For these reasons, this variant has been classified as Pathogenic. This variant has not been reported in the literature in individuals affected with DBT-related conditions. This variant is not present in population databases (gnomAD no frequency). This sequence change creates a premature translational stop signal (p.Gly214Glufs*22) in the DBT gene. It is expected to result in an absent or disrupted protein product. Loss-of-function variants in DBT are known to be pathogenic (PMID: 16579849, 16786533).

Literature cited by the submitters: PubMed 16579849; PubMed 16786533.

NM_001918.5(DBT):c.639del (p.Gly214fs)

Gene: DBT (dihydrolipoamide branched chain transacylase E2; minus strand). Cytogenetic location: 1p21.2.
Variant type: Deletion.
Coding change: c.639del on transcript NM_001918.5 (MANE Select); coding-DNA position 639, one base deleted (A; older notation c.639delA).
Protein change: p.Gly214fs; shifts the reading frame from glycine 214.
Molecular consequence: frameshift variant. On other transcripts: non-coding transcript variant (3).
Genome position (GRCh38, 1-based): chr1:100,216,116, T deleted on the plus strand (A on the coding strand, the reverse complement: DBT is on the minus strand). VCF-style (leftmost placement, unchanged base first): chr1-100216115-CT-C. GRCh37 (hg19) VCF-style: chr1-100681671-CT-C.
Other names: c.96del, p.Gly33fs (NM_001399969.1, NM_001399972.1); short protein forms G214fs, G33fs.
Identifiers: ClinVar variation 2007559 (VCV002007559.4), dbSNP rs2524154447, ClinGen allele CA2574446619.